The following is an entry in ClinVar:

NM_152468.5(TMC8):c.949A>G (p.Ile317Val)

Gene: TMC8 (transmembrane channel like 8; plus strand). Cytogenetic location: 17q25.3.
Variant type: single nucleotide variant.
Coding change: c.949A>G on transcript NM_152468.5 (MANE Select); coding-DNA position 949, A replaced by G.
Protein change: p.Ile317Val; replaces isoleucine 317 with valine.
Molecular consequence: missense variant.
Genome position (GRCh38, 1-based): chr17:78,134,526, A>G. VCF-style: chr17-78134526-A-G. GRCh37 (hg19) VCF-style: chr17-76130607-A-G.
Other names: short protein forms I317V.
Identifiers: ClinVar variation 1346977 (VCV001346977.6), dbSNP rs1179647988, ClinGen allele CA401245410.

ClinVar aggregate classification (germline): Uncertain significance (1 of 4 stars; one submission).

Conditions:
Epidermodysplasia verruciformis. Identifiers: Orphanet 302, MedGen C0014522, MONDO:0009176.

Allele frequency attached by ClinVar (database versions not stated): gnomAD exomes below 0.00001; TOPMed below 0.00001.
gnomAD v4.1: 2 of 1,614,126 alleles (0.00012%); highest among the groups gnomAD compares: Non-Finnish European, 0.00017%; 1 homozygote.

Submission:

Labcorp Genetics (formerly Invitae), Labcorp
Classification: Uncertain significance for Epidermodysplasia verruciformis. Last evaluated: 2021-10-24. Review status: criteria provided, single submitter. Criteria: Invitae Variant Classification Sherloc (09022015). Collection method: clinical testing. Allele origin: germline.
Comment: This sequence change replaces isoleucine with valine at codon 317 of the TMC8 protein (p.Ile317Val). The isoleucine residue is highly conserved and there is a small physicochemical difference between isoleucine and valine. In summary, the available evidence is currently insufficient to determine the role of this variant in disease. Therefore, it has been classified as a Variant of Uncertain Significance. Algorithms developed to predict the effect of missense changes on protein structure and function are either unavailable or do not agree on the potential impact of this missense change (SIFT: "Tolerated"; PolyPhen-2: "Possibly Damaging"; Align-GVGD: "Class C0"). This variant has not been reported in the literature in individuals affected with TMC8-related conditions. This variant is not present in population databases (ExAC no frequency).